The following is an entry in ClinVar:

NM_004415.4(DSP):c.3962A>G (p.Gln1321Arg)

Gene: DSP (desmoplakin; plus strand). Cytogenetic location: 6p24.3.
Variant type: single nucleotide variant.
Coding change: c.3962A>G on transcript NM_004415.4 (MANE Select); coding-DNA position 3962, A replaced by G.
Protein change: p.Gln1321Arg; replaces glutamine 1321 with arginine.
Molecular consequence: missense variant. On other transcripts: intron variant (1).
Genome position (GRCh38, 1-based): chr6:7,580,152, A>G. VCF-style: chr6-7580152-A-G. GRCh37 (hg19) VCF-style: chr6-7580385-A-G.
Other names: c.3962A>G, p.Gln1321Arg (NM_001319034.2); c.3582+380A>G (NM_001008844.3); short protein forms Q1321R.
Identifiers: ClinVar variation 3074264 (VCV003074264.1), dbSNP rs2533926812, ClinGen allele CA362685236.
Genomic context (GRCh38, chr6:7,580,152, plus strand): 5'-AGCGCTCTGAGGACAATGCCCGGCACAAGCAGTCCCTGGAGGAGGCTGCCAAGACCATTC[A>G]GGACAAAAATAAGGAGATCGAGAGACTCAAAGCTGAGTTTCAGGAGGAGGCCAAGCGCCG-3'
Protein context (NP_004406.2, residues 1311-1331): QSLEEAAKTI[Gln1321Arg]DKNKEIERLK

ClinVar aggregate classification (germline): Uncertain significance (1 of 4 stars; one submission).

Conditions:
Arrhythmogenic cardiomyopathy with wooly hair and keratoderma. Also called: PALMOPLANTAR KERATODERMA WITH LEFT VENTRICULAR CARDIOMYOPATHY AND WOOLLY HAIR; Carvajal syndrome; Dilated cardiomyopathy with woolly hair and keratoderma; Arrhythmogenic cardiomyopathy with woolly hair and keratoderma. Identifiers: Orphanet 65282, MedGen C1854063, MONDO:0011581, OMIM 605676.

Submission:

All of Us Research Program, National Institutes of Health
Classification: Uncertain significance for Arrhythmogenic cardiomyopathy with wooly hair and keratoderma. Last evaluated: 2023-12-01. Review status: criteria provided, single submitter. Criteria: ACMG Guidelines, 2015. Collection method: clinical testing. Allele origin: germline. Inheritance: Autosomal dominant inheritance. Observed: 1 variant allele, 1 heterozygote.
Comment: This study involves interpretation of variants in research participants for the purpose of population health screening. Participant phenotype was not available at the time of variant classification. Additional details can be found in publication PMID: 35346344, PMCID: PMC8962531